The following is an entry in ClinVar:

ClinVar aggregate classification (germline): Uncertain significance (1 of 4 stars; one submission).

Conditions:
Hereditary spastic paraplegia 11. Also called: Nakamura Osame syndrome; Autosomal recessive hereditary spastic paraplegia, mental impairment, and thin corpus callosum; Spastic paraplegia, mental retardation and thin corpus callosum; SPASTIC PARAPLEGIA, AUTOSOMAL RECESSIVE, COMPLICATED, WITH THIN CORPUS CALLOSUM; SPASTIC PARAPLEGIA, AUTOSOMAL RECESSIVE, WITH MENTAL IMPAIRMENT AND THIN CORPUS CALLOSUM; Spastic Paraplegia 11. Identifiers: Orphanet 2822, MedGen C1858479, MONDO:0011445, OMIM 604360.

Allele frequency attached by ClinVar (database versions not stated): gnomAD exomes below 0.00001; TOPMed below 0.00001; ExAC 0.00001.
gnomAD v4.1: 1 of 1,613,914 alleles (0.000062%); highest among the groups gnomAD compares: Non-Finnish European, 0.000085%; no homozygotes.

Submission:

Labcorp Genetics (formerly Invitae), Labcorp
Classification: Uncertain significance for Hereditary spastic paraplegia 11. Last evaluated: 2021-08-26. Review status: criteria provided, single submitter. Criteria: Invitae Variant Classification Sherloc (09022015). Collection method: clinical testing. Allele origin: germline.
Comment: This sequence change replaces methionine with isoleucine at codon 2073 of the SPG11 protein (p.Met2073Ile). The methionine residue is weakly conserved and there is a small physicochemical difference between methionine and isoleucine. This variant is present in population databases (rs778428857, ExAC 0.001%). This variant has not been reported in the literature in individuals affected with SPG11-related conditions. Algorithms developed to predict the effect of missense changes on protein structure and function output the following: SIFT: "Tolerated"; PolyPhen-2: "Benign"; Align-GVGD: "Class C0". The isoleucine amino acid residue is found in multiple mammalian species, which suggests that this missense change does not adversely affect protein function. In summary, the available evidence is currently insufficient to determine the role of this variant in disease. Therefore, it has been classified as a Variant of Uncertain Significance.

NM_025137.4(SPG11):c.6219G>A (p.Met2073Ile)

Gene: SPG11 (SPG11 vesicle trafficking associated, spatacsin; minus strand). Cytogenetic location: 15q21.1.
Variant type: single nucleotide variant.
Coding change: c.6219G>A on transcript NM_025137.4 (MANE Select); coding-DNA position 6219, G replaced by A.
Protein change: p.Met2073Ile; replaces methionine 2073 with isoleucine.
Molecular consequence: missense variant.
Genome position (GRCh38, 1-based): chr15:44,572,807, C>T on the plus strand (G>A on the coding strand, the complement: SPG11 is on the minus strand). VCF-style: chr15-44572807-C-T. GRCh37 (hg19) VCF-style: chr15-44865005-C-T.
Other names: c.5880G>A, p.Met1960Ile (NM_001160227.2); short protein forms M2073I, M1960I.
Identifiers: ClinVar variation 963721 (VCV000963721.7), dbSNP rs778428857, ClinGen allele CA7534204.